The following is an entry in ClinVar:

ClinVar aggregate classification (germline): Likely benign. Review status: criteria provided, multiple submitters, no conflicts (2 of 4 stars). 3 submissions from 3 submitters: Likely benign (3). Last evaluated 2025-05-08.

Conditions:
Retinal dystrophy. Also called: Inherited retinal dystrophy. Identifiers: Orphanet 71862, MedGen C0854723, MeSH D058499, MONDO:0019118, HP:0000556.
RP1L1-related disorder. Also called: RP1L1-related condition.

Allele frequency attached by ClinVar (database versions not stated): gnomAD 0.00008 and 0.00011; ExAC 0.00017; gnomAD exomes 0.00020; TOPMed 0.00021; 1000 Genomes Project 0.00060; 1000 Genomes Project 30x 0.00109.
gnomAD v4.1: 125 of 1,609,192 alleles (0.0078%); highest among the groups gnomAD compares: East Asian, 0.26%; no homozygotes.

Submissions (3):

PreventionGenetics, part of Exact Sciences
Classification: Likely benign for RP1L1-related condition. Last evaluated: 2025-05-08. Review status: criteria provided, single submitter. Criteria: ACMG Guidelines, 2015. Collection method: clinical testing. Allele origin: germline.
Comment: This variant is classified as likely benign based on ACMG/AMP sequence variant interpretation guidelines (Richards et al. 2015 PMID: 25741868, with internal and published modifications).

Blueprint Genetics
Classification: Likely benign. Last evaluated: 2024-08-06. Review status: criteria provided, single submitter. Criteria: ACMG Guidelines, 2015. Collection method: clinical testing. Allele origin: germline.

Dept Of Ophthalmology, Nagoya University
Classification: Likely benign for Retinal dystrophy. Last evaluated: 2023-10-01. Review status: criteria provided, single submitter. Criteria: Submitter's publication. Collection method: research. Allele origin: germline. Affected: yes.

NM_178857.6(RP1L1):c.4837C>A (p.Leu1613Met)

Gene: RP1L1 (RP1 like 1). Cytogenetic location: 8p23.1.
Variant type: single nucleotide variant.
Coding change: c.4837C>A on transcript NM_178857.6 (MANE Select); coding-DNA position 4837, C replaced by A.
Protein change: p.Leu1613Met; replaces leucine 1613 with methionine.
Molecular consequence: missense variant.
Genome position (GRCh38, 1-based): chr8:10,609,261, G>T on the plus strand (C>A on the coding strand, the complement: RP1L1 is on the minus strand). VCF-style: chr8-10609261-G-T. GRCh37 (hg19) VCF-style: chr8-10466771-G-T.
Other names: short protein forms L1613M.
Identifiers: ClinVar variation 361263 (VCV000361263.8), dbSNP rs181095314, ClinGen allele CA4623866.